The following is an entry in ClinVar:

ClinVar aggregate classification (germline): Conflicting classifications of pathogenicity. Review status: criteria provided, conflicting classifications (1 of 4 stars). 3 submissions from 3 submitters: Uncertain significance (2); Likely benign (1). Last evaluated 2025-06-16.

Conditions:
Naxos disease (NXD). Also called: KERATOSIS PALMOPLANTARIS WITH ARRHYTHMOGENIC CARDIOMYOPATHY; MAL DE NAXOS; PALMOPLANTAR KERATODERMA WITH ARRHYTHMOGENIC RIGHT VENTRICULAR CARDIOMYOPATHY AND WOOLLY HAIR; WOOLLY HAIR, PALMOPLANTAR KERATODERMA, AND CARDIAC ABNORMALITIES; CARDIOMYOPATHY, ARRHYTHMOGENIC RIGHT VENTRICULAR, WITH SKIN, HAIR, AND NAIL ABNORMALITIES. Identifiers: Orphanet 34217, MedGen C1832600, MONDO:0011017, OMIM 601214.
Arrhythmogenic right ventricular dysplasia 12. Also called: ARRHYTHMOGENIC RIGHT VENTRICULAR DYSPLASIA, FAMILIAL, 12. Identifiers: MedGen C1969081, MONDO:0012684, OMIM 611528.
Cardiovascular phenotype. Identifiers: MedGen CN230736.

Submissions (3):

Labcorp Genetics (formerly Invitae), Labcorp
Classification: Uncertain significance for Arrhythmogenic right ventricular dysplasia 12; Naxos disease. Last evaluated: 2025-06-16. Review status: criteria provided, single submitter. Criteria: Invitae Variant Classification Sherloc (09022015). Collection method: clinical testing. Allele origin: germline.
Comment: This sequence change replaces glutamic acid, which is acidic and polar, with aspartic acid, which is acidic and polar, at codon 45 of the JUP protein (p.Glu45Asp). This variant is not present in population databases (gnomAD no frequency). This variant has not been reported in the literature in individuals affected with JUP-related conditions. ClinVar contains an entry for this variant (Variation ID: 1055996). An algorithm developed to predict the effect of missense changes on protein structure and function outputs the following: PolyPhen-2: "Benign". The aspartic acid amino acid residue is found in multiple mammalian species, which suggests that this missense change does not adversely affect protein function. In summary, the available evidence is currently insufficient to determine the role of this variant in disease. Therefore, it has been classified as a Variant of Uncertain Significance.

Ambry Genetics
Classification: Likely benign for Cardiovascular phenotype. Last evaluated: 2025-03-26. Review status: criteria provided, single submitter. Criteria: Ambry Variant Classification Scheme 2023. Collection method: clinical testing. Allele origin: germline.

New York Genome Center
Classification: Uncertain significance for Naxos disease; Arrhythmogenic right ventricular dysplasia 12. Last evaluated: 2021-07-30. Review status: criteria provided, single submitter. Criteria: NYGC Assertion Criteria 2020. Collection method: clinical testing. Allele origin: inherited. Observed: 1 heterozygote. Study: CSER-NYCKidSeq.

NM_002230.4(JUP):c.135G>C (p.Glu45Asp)

Gene: JUP (junction plakoglobin; minus strand). Cytogenetic location: 17q21.2.
Variant type: single nucleotide variant.
Coding change: c.135G>C on transcript NM_002230.4 (MANE Select); coding-DNA position 135, G replaced by C.
Protein change: p.Glu45Asp; replaces glutamic acid 45 with aspartic acid.
Molecular consequence: missense variant.
Genome position (GRCh38, 1-based): chr17:41,771,720, C>G on the plus strand (G>C on the coding strand, the complement: JUP is on the minus strand). VCF-style: chr17-41771720-C-G. GRCh37 (hg19) VCF-style: chr17-39927972-C-G.
Other names: c.135G>C (NM_002230.2); c.135G>C, p.Glu45Asp (NM_001352773.2, NM_001352774.2, NM_001352775.2 and 3 more transcripts); short protein forms E45D.
Identifiers: ClinVar variation 1055996 (VCV001055996.12), dbSNP rs2143735253, ClinGen allele CA399506850.